The following is an entry in ClinVar:

NM_006514.4(SCN10A):c.2768G>T (p.Arg923Leu)

Gene: SCN10A (sodium voltage-gated channel alpha subunit 10; minus strand). Cytogenetic location: 3p22.2.
Variant type: single nucleotide variant.
Coding change: c.2768G>T on transcript NM_006514.4 (MANE Select); coding-DNA position 2768, G replaced by T.
Protein change: p.Arg923Leu; replaces arginine 923 with leucine.
Molecular consequence: missense variant.
Genome position (GRCh38, 1-based): chr3:38,726,925, C>A on the plus strand (G>T on the coding strand, the complement: SCN10A is on the minus strand). VCF-style: chr3-38726925-C-A. GRCh37 (hg19) VCF-style: chr3-38768416-C-A.
Other names: c.2768G>T, p.Arg923Leu (NM_001293306.2); c.2474G>T, p.Arg825Leu (NM_001293307.2); short protein forms R923L, R825L.
Identifiers: ClinVar variation 1795764 (VCV001795764.2), dbSNP rs759458296, ClinGen allele CA2320434.

ClinVar aggregate classification (germline): Uncertain significance (1 of 4 stars; one submission).

Conditions:
Cardiovascular phenotype. Identifiers: MedGen CN230736.

gnomAD v4.1: 1 of 1,614,086 alleles (0.000062%); highest among the groups gnomAD compares: Admixed American, 0.0017%; no homozygotes.

Submission:

Ambry Genetics
Classification: Uncertain significance for Cardiovascular phenotype. Last evaluated: 2019-01-28. Review status: criteria provided, single submitter. Criteria: Ambry Variant Classification Scheme 2023. Collection method: clinical testing. Allele origin: germline.
Comment: The p.R923L variant (also known as c.2768G>T), located in coding exon 16 of the SCN10A gene, results from a G to T substitution at nucleotide position 2768. The arginine at codon 923 is replaced by leucine, an amino acid with dissimilar properties. This amino acid position is not well conserved in available vertebrate species, and leucine is the reference amino acid in other vertebrate species. In addition, this alteration is predicted to be tolerated by in silico analysis. Since supporting evidence is limited at this time, the clinical significance of this alteration remains unclear.